The following is an entry in ClinVar:

ClinVar aggregate classification (germline): Uncertain significance. Review status: criteria provided, multiple submitters, no conflicts (2 of 4 stars). 2 submissions from 2 submitters: Uncertain significance (2). Last evaluated 2022-10-05.

Conditions:
Inborn genetic diseases. Identifiers: MedGen C0950123, MeSH D030342.

Allele frequency attached by ClinVar (database versions not stated): ExAC 0.00012; 1000 Genomes Project 30x 0.00016; 1000 Genomes Project 0.00020.
gnomAD v4.1: 139 of 1,614,158 alleles (0.0086%); highest among the groups gnomAD compares: Admixed American, 0.023%; 1 homozygote.

Submissions (2):

Labcorp Genetics (formerly Invitae), Labcorp
Classification: Uncertain significance. Last evaluated: 2022-10-05. Review status: criteria provided, single submitter. Criteria: Invitae Variant Classification Sherloc (09022015). Collection method: clinical testing. Allele origin: germline.
Comment: This sequence change replaces serine, which is neutral and polar, with arginine, which is basic and polar, at codon 338 of the KIAA0753 protein (p.Ser338Arg). This variant is present in population databases (rs535779021, gnomAD 0.03%). This variant has not been reported in the literature in individuals affected with KIAA0753-related conditions. Algorithms developed to predict the effect of missense changes on protein structure and function are either unavailable or do not agree on the potential impact of this missense change (SIFT: "Tolerated"; PolyPhen-2: "Possibly Damaging"; Align-GVGD: "Class C0"). In summary, the available evidence is currently insufficient to determine the role of this variant in disease. Therefore, it has been classified as a Variant of Uncertain Significance.

Ambry Genetics
Classification: Uncertain significance for Inborn genetic diseases. Last evaluated: 2022-01-10. Review status: criteria provided, single submitter. Criteria: Ambry Variant Classification Scheme 2023. Collection method: clinical testing. Allele origin: germline.

NM_014804.3(KIAA0753):c.1014C>G (p.Ser338Arg)

Gene: KIAA0753 (KIAA0753; minus strand). Cytogenetic location: 17p13.1.
Variant type: single nucleotide variant.
Coding change: c.1014C>G on transcript NM_014804.3 (MANE Select); coding-DNA position 1014, C replaced by G.
Protein change: p.Ser338Arg; replaces serine 338 with arginine.
Molecular consequence: missense variant. On other transcripts: non-coding transcript variant (3).
Genome position (GRCh38, 1-based): chr17:6,622,972, G>C on the plus strand (C>G on the coding strand, the complement: KIAA0753 is on the minus strand). VCF-style: chr17-6622972-G-C. GRCh37 (hg19) VCF-style: chr17-6526292-G-C.
Other names: c.117C>G, p.Ser39Arg (NM_001351225.2); c.1014C>G (NM_014804.2); short protein forms S39R, S338R.
Identifiers: ClinVar variation 2177318 (VCV002177318.2), dbSNP rs535779021, ClinGen allele CA8330625.